The following is an entry in ClinVar:

NM_024652.6(LRRK1):c.3565G>A (p.Asp1189Asn)

Genes: LRRK1 (leucine rich repeat kinase 1; plus strand), LRRK1-AS1 (LRRK1 antisense RNA 1; minus strand). Cytogenetic location: 15q26.3.
Variant type: single nucleotide variant.
Coding change: c.3565G>A on transcript NM_024652.6 (MANE Select); coding-DNA position 3565, G replaced by A.
Protein change: p.Asp1189Asn; replaces aspartic acid 1189 with asparagine.
Molecular consequence: missense variant.
Genome position (GRCh38, 1-based): chr15:101,051,836, G>A. VCF-style: chr15-101051836-G-A. GRCh37 (hg19) VCF-style: chr15-101592041-G-A.
Other names: short protein forms D1189N.
Identifiers: ClinVar variation 3540438 (VCV003540438.2).

ClinVar aggregate classification (germline): Uncertain significance. Review status: criteria provided, multiple submitters, no conflicts (2 of 4 stars). 2 submissions from 2 submitters: Uncertain significance (2). Last evaluated 2025-06-15.

Conditions:
Inborn genetic diseases. Identifiers: MedGen C0950123, MeSH D030342.

gnomAD v4.1: 10 of 1,614,012 alleles (0.00062%); highest among the groups gnomAD compares: East Asian, 0.0067%; no homozygotes.

Submissions (2):

Labcorp Genetics (formerly Invitae), Labcorp
Classification: Uncertain significance. Last evaluated: 2025-06-15. Review status: criteria provided, single submitter. Criteria: Invitae Variant Classification Sherloc (09022015). Collection method: clinical testing. Allele origin: germline.
Comment: This sequence change replaces aspartic acid, which is acidic and polar, with asparagine, which is neutral and polar, at codon 1189 of the LRRK1 protein (p.Asp1189Asn). This variant is present in population databases (rs769551074, gnomAD 0.02%). This variant has not been reported in the literature in individuals affected with LRRK1-related conditions. ClinVar contains an entry for this variant (Variation ID: 3540438). An algorithm developed to predict the effect of missense changes on protein structure and function outputs the following: PolyPhen-2: "Benign". The asparagine amino acid residue is found in multiple mammalian species, which suggests that this missense change does not adversely affect protein function. In summary, the available evidence is currently insufficient to determine the role of this variant in disease. Therefore, it has been classified as a Variant of Uncertain Significance.

Ambry Genetics
Classification: Uncertain significance for Inborn genetic diseases. Last evaluated: 2024-08-28. Review status: criteria provided, single submitter. Criteria: Ambry Variant Classification Scheme 2023. Collection method: clinical testing. Allele origin: germline.